The following is an entry in ClinVar:

ClinVar aggregate classification (germline): Uncertain significance (1 of 4 stars; one submission).

Conditions:
Immunodeficiency. Identifiers: MedGen C0021051, MONDO:0021094, HP:0002721.

Submission:

Labcorp Genetics (formerly Invitae), Labcorp
Classification: Uncertain significance for Immunodeficiency. Last evaluated: 2022-08-15. Review status: criteria provided, single submitter. Criteria: Invitae Variant Classification Sherloc (09022015). Collection method: clinical testing. Allele origin: germline.
Comment: This sequence change replaces lysine, which is basic and polar, with asparagine, which is neutral and polar, at codon 922 of the NFAT5 protein (p.Lys922Asn). This variant is not present in population databases (gnomAD no frequency). This variant has not been reported in the literature in individuals affected with NFAT5-related conditions. ClinVar contains an entry for this variant (Variation ID: 1006566). Algorithms developed to predict the effect of missense changes on protein structure and function are either unavailable or do not agree on the potential impact of this missense change (SIFT: "Tolerated"; PolyPhen-2: "Probably Damaging"; Align-GVGD: "Class C0"). In summary, the available evidence is currently insufficient to determine the role of this variant in disease. Therefore, it has been classified as a Variant of Uncertain Significance.

NM_138713.4(NFAT5):c.3048A>T (p.Lys1016Asn)

Gene: NFAT5 (nuclear factor of activated T cells 5; plus strand). Cytogenetic location: 16q22.1.
Variant type: single nucleotide variant.
Coding change: c.3048A>T on transcript NM_138713.4 (MANE Select); coding-DNA position 3048, A replaced by T.
Protein change: p.Lys1016Asn; replaces lysine 1016 with asparagine.
Molecular consequence: missense variant.
Genome position (GRCh38, 1-based): chr16:69,692,873, A>T. VCF-style: chr16-69692873-A-T. GRCh37 (hg19) VCF-style: chr16-69726776-A-T.
Other names: c.3045A>T, p.Lys1015Asn (NM_001113178.3); c.2373A>T, p.Lys791Asn (NM_001367709.1); c.2994A>T, p.Lys998Asn (NM_006599.4); c.2766A>T, p.Lys922Asn (NM_138714.4, NM_173214.3, NM_173215.3); short protein forms K1015N, K1016N, K791N, K922N, K998N.
Identifiers: ClinVar variation 1006566 (VCV001006566.8), dbSNP rs2037605270, ClinGen allele CA396512125.